The following is an entry in ClinVar:

NM_000051.4(ATM):c.6754del (p.Thr2252fs)

Genes: ATM (ATM serine/threonine kinase; plus strand), C11orf65 (chromosome 11 open reading frame 65; minus strand). Cytogenetic location: 11q22.3.
Variant type: Deletion.
Coding change: c.6754del on transcript NM_000051.4 (MANE Select); coding-DNA position 6754, one base deleted (A; older notation c.6754delA).
Protein change: p.Thr2252fs; shifts the reading frame from threonine 2252.
Molecular consequence: frameshift variant. On other transcripts: intron variant (2).
Genome position (GRCh38, 1-based): chr11:108,325,491, A deleted. VCF-style (leftmost placement, unchanged base first): chr11-108325490-CA-C. GRCh37 (hg19) VCF-style: chr11-108196217-CA-C.
Other names: c.6754del, p.Thr2252fs (NM_001351834.2); c.641-16420del (NM_001330368.2); c.*38+9729del (NM_001351110.2); short protein forms T2252fs.
Identifiers: ClinVar variation 418040 (VCV000418040.11), dbSNP rs1064793042, ClinGen allele CA16619221.

ClinVar aggregate classification (germline): Pathogenic. Review status: criteria provided, multiple submitters, no conflicts (2 of 4 stars). 2 submissions from 2 submitters: Pathogenic (2). Last evaluated 2022-02-02.

Conditions:
Ataxia-telangiectasia syndrome (AT). Also called: LOUIS-BAR SYNDROME; Cerebello-oculocutaneous telangiectasia; Immunodeficiency with ataxia telangiectasia; Ataxia-telangiectasia, complementation group D; AT, COMPLEMENTATION GROUP C; Ataxia-telangiectasia, complementation group E. Identifiers: Orphanet 100, MedGen C0004135, MONDO:0008840, OMIM 208900.

Submissions (2):

Labcorp Genetics (formerly Invitae), Labcorp
Classification: Pathogenic for Ataxia-telangiectasia syndrome. Last evaluated: 2022-02-02. Review status: criteria provided, single submitter. Criteria: Invitae Variant Classification Sherloc (09022015). Collection method: clinical testing. Allele origin: germline.
Comment: For these reasons, this variant has been classified as Pathogenic. ClinVar contains an entry for this variant (Variation ID: 418040). This premature translational stop signal has been observed in individual(s) with ataxia-telangiectasia (PMID: 25614872). This variant is not present in population databases (gnomAD no frequency). This sequence change creates a premature translational stop signal (p.Thr2252Profs*5) in the ATM gene. It is expected to result in an absent or disrupted protein product. Loss-of-function variants in ATM are known to be pathogenic (PMID: 23807571, 25614872).

GeneDx
Classification: Pathogenic. Last evaluated: 2015-02-10. Review status: criteria provided, single submitter. Criteria: GeneDx Variant Classification (06012015). Collection method: clinical testing. Allele origin: germline. Affected: yes.
Comment: This deletion of one nucleotide in ATM is denoted c.6754delA at the cDNA level and p.Thr2252ProfsX5 (T2252PfsX5) at the protein level. The normal sequence, with the base that is deleted in brackets, is TCTC[A]CCAA. The deletion causes a frameshift, which changes a Threonine to a Proline at codon 2252, and creates a premature stop codon at position 5 of the new reading frame. This variant is predicted to cause loss of normal protein function through either protein truncation or nonsense-mediated mRNA decay. ATM c.6754delA has been reported in the compound heterozygous state with another pathogenic ATM variant in a patient with ataxia telangiectasia (Podralska 2014). we consider this variant to be pathogenic. The presence of

Literature cited by the submitters: PubMed 25614872 (cited by Labcorp Genetics (formerly Invitae), Labcorp); PubMed 23807571 (cited by Labcorp Genetics (formerly Invitae), Labcorp).